The following is an entry in ClinVar:

ClinVar aggregate classification (germline): Uncertain significance (1 of 4 stars; one submission).

gnomAD v4.1: 5 of 1,613,832 alleles (0.00031%); highest among the groups gnomAD compares: South Asian, 0.0044%; no homozygotes.

Submission:

Labcorp Genetics (formerly Invitae), Labcorp
Classification: Uncertain significance. Last evaluated: 2025-06-08. Review status: criteria provided, single submitter. Criteria: Invitae Variant Classification Sherloc (09022015). Collection method: clinical testing. Allele origin: germline.
Comment: This sequence change replaces valine, which is neutral and non-polar, with isoleucine, which is neutral and non-polar, at codon 242 of the ROBO2 protein (p.Val242Ile). This variant is present in population databases (rs755650539, gnomAD 0.003%). This variant has not been reported in the literature in individuals affected with ROBO2-related conditions. Invitae Evidence Modeling of protein sequence and biophysical properties (such as structural, functional, and spatial information, amino acid conservation, physicochemical variation, residue mobility, and thermodynamic stability) indicates that this missense variant is not expected to disrupt ROBO2 protein function with a negative predictive value of 95%. In summary, the available evidence is currently insufficient to determine the role of this variant in disease. Therefore, it has been classified as a Variant of Uncertain Significance.

NM_001395656.1(ROBO2):c.724G>A (p.Val242Ile)

Gene: ROBO2 (roundabout guidance receptor 2; plus strand). Cytogenetic location: 3p12.3.
Variant type: single nucleotide variant.
Coding change: c.724G>A on transcript NM_001395656.1 (MANE Select); coding-DNA position 724, G replaced by A.
Protein change: p.Val242Ile; replaces valine 242 with isoleucine.
Molecular consequence: missense variant. On other transcripts: 5 prime UTR variant (1).
Genome position (GRCh38, 1-based): chr3:77,493,300, G>A. VCF-style: chr3-77493300-G-A. GRCh37 (hg19) VCF-style: chr3-77542451-G-A.
Other names: c.772G>A, p.Val258Ile (NM_001128929.3, NM_001378190.1, NM_001378191.1 and 5 more transcripts); c.724G>A, p.Val242Ile (NM_001290039.2, NM_001290040.2, NM_001378193.1 and 3 more transcripts); c.-1195G>A (NM_001290065.2); c.793G>A, p.Val265Ile (NM_001378192.1, NM_001378194.1, NM_001378198.1 and 5 more transcripts); short protein forms V265I, V258I, V242I.
Identifiers: ClinVar variation 4769577 (VCV004769577.1).